The following is an entry in ClinVar:

NM_001370466.1(NOD2):c.2413A>T (p.Ile805Phe)

Gene: NOD2 (nucleotide binding oligomerization domain containing 2; plus strand). Cytogenetic location: 16q12.1.
Variant type: single nucleotide variant.
Coding change: c.2413A>T on transcript NM_001370466.1 (MANE Select); coding-DNA position 2413, A replaced by T.
Protein change: p.Ile805Phe; replaces isoleucine 805 with phenylalanine.
Molecular consequence: missense variant. On other transcripts: non-coding transcript variant (1).
Genome position (GRCh38, 1-based): chr16:50,716,618, A>T. VCF-style: chr16-50716618-A-T. GRCh37 (hg19) VCF-style: chr16-50750529-A-T.
Other names: c.2413A>T, p.Ile805Phe (NM_001293557.2); c.2494A>T, p.Ile832Phe (NM_022162.3); short protein forms I805F, I832F.
Identifiers: ClinVar variation 1478444 (VCV001478444.6), dbSNP rs765335094, ClinGen allele CA8051805.

ClinVar aggregate classification (germline): Uncertain significance (1 of 4 stars; one submission).

Conditions:
Regional enteritis. Also called: Enteritis, Granulomatous. Identifiers: MedGen C0678202, MeSH D003424.
Blau syndrome (BLAUS). Also called: GRANULOMATOSIS, FAMILIAL JUVENILE SYSTEMIC; GRANULOMATOSIS, FAMILIAL, BLAU TYPE; GRANULOMATOUS INFLAMMATORY ARTHRITIS, DERMATITIS, AND UVEITIS, FAMILIAL; JABS SYNDROME; ARTHROCUTANEOUVEAL GRANULOMATOSIS. Identifiers: Orphanet 90340, MedGen C5201146, MONDO:0008523, OMIM 186580.

Allele frequency attached by ClinVar (database versions not stated): ExAC 0.00001; gnomAD exomes 0.00001.
gnomAD v4.1: 5 of 1,614,074 alleles (0.00031%); highest among the groups gnomAD compares: African/African-American, 0.004%; no homozygotes.

Submission:

Labcorp Genetics (formerly Invitae), Labcorp
Classification: Uncertain significance for Regional enteritis; Blau syndrome. Last evaluated: 2021-12-03. Review status: criteria provided, single submitter. Criteria: Invitae Variant Classification Sherloc (09022015). Collection method: clinical testing. Allele origin: germline.
Comment: This variant is present in population databases (rs765335094, gnomAD 0.01%). This variant has not been reported in the literature in individuals affected with NOD2-related conditions. Advanced modeling of protein sequence and biophysical properties (such as structural, functional, and spatial information, amino acid conservation, physicochemical variation, residue mobility, and thermodynamic stability) performed at Invitae indicates that this missense variant is not expected to disrupt NOD2 protein function. In summary, the available evidence is currently insufficient to determine the role of this variant in disease. Therefore, it has been classified as a Variant of Uncertain Significance. This sequence change replaces isoleucine, which is neutral and non-polar, with phenylalanine, which is neutral and non-polar, at codon 832 of the NOD2 protein (p.Ile832Phe).